The following is an entry in ClinVar:

ClinVar aggregate classification (germline): Likely benign (1 of 4 stars; one submission).

Submission:

GeneDx
Classification: Likely benign. Last evaluated: 2015-10-30. Review status: criteria provided, single submitter. Criteria: GeneDx Variant Classification (06012015). Collection method: clinical testing. Allele origin: germline. Affected: yes.
Comment: This variant is considered likely benign or benign based on one or more of the following criteria: it is a conservative change, it occurs at a poorly conserved position in the protein, it is predicted to be benign by multiple in silico algorithms, and/or has population frequency not consistent with disease.

NM_001379110.1(SLC9A6):c.1460+14A>G

Gene: SLC9A6 (solute carrier family 9 member A6; plus strand). Cytogenetic location: Xq26.3.
Variant type: single nucleotide variant.
Coding change: c.1460+14A>G on transcript NM_001379110.1 (MANE Select); 14 bases into the intron after coding-DNA position 1460, A replaced by G.
Molecular consequence: intron variant.
Genome position (GRCh38, 1-based): chrX:136,024,497, A>G. VCF-style: chrX-136024497-A-G. GRCh37 (hg19) VCF-style: chrX-135106656-A-G.
Other names: c.1616+14A>G (NM_001042537.2); c.1520+14A>G (NM_006359.3); c.1460+14A>G (NM_001177651.2); c.1364+14A>G (NM_001330652.2).
Identifiers: ClinVar variation 381260 (VCV000381260.1), dbSNP rs1057520998, ClinGen allele CA16608701.